The following is an entry in ClinVar:

NM_006118.4(HAX1):c.677G>A (p.Arg226His)

Gene: HAX1 (HCLS1 associated protein X-1; plus strand). Cytogenetic location: 1q21.3.
Variant type: single nucleotide variant.
Coding change: c.677G>A on transcript NM_006118.4 (MANE Select); coding-DNA position 677, G replaced by A.
Protein change: p.Arg226His; replaces arginine 226 with histidine.
Molecular consequence: missense variant.
Genome position (GRCh38, 1-based): chr1:154,275,406, G>A. VCF-style: chr1-154275406-G-A. GRCh37 (hg19) VCF-style: chr1-154247882-G-A.
Other names: c.533G>A, p.Arg178His (NM_001018837.2); short protein forms R178H, R226H.
Identifiers: ClinVar variation 874303 (VCV000874303.5), dbSNP rs750920845, ClinGen allele CA1127437.

ClinVar aggregate classification (germline): Uncertain significance. Review status: criteria provided, multiple submitters, no conflicts (2 of 4 stars). 2 submissions from 2 submitters: Uncertain significance (2). Last evaluated 2025-12-21.

Conditions:
Inborn genetic diseases. Identifiers: MedGen C0950123, MeSH D030342.
Kostmann syndrome (SCN3). Also called: KOSTMANN DISEASE; Autosomal recessive severe congenital neutropenia type 3. Identifiers: Orphanet 99749, MedGen C5235141, MONDO:0012548, OMIM 610738.

Allele frequency attached by ClinVar (database versions not stated): gnomAD below 0.00001 and 0.00002; gnomAD exomes 0.00002 and 0.00004; ExAC 0.00005.
gnomAD v4.1: 26 of 1,613,890 alleles (0.0016%); highest among the groups gnomAD compares: South Asian, 0.021%; no homozygotes.

Submissions (2):

Ambry Genetics
Classification: Uncertain significance for Inborn genetic diseases. Last evaluated: 2025-12-21. Review status: criteria provided, single submitter. Criteria: Ambry Variant Classification Scheme 2023. Collection method: clinical testing. Allele origin: germline.
Comment: The p.R226H variant (also known as c.677G>A), located in coding exon 6 of the HAX1 gene, results from a G to A substitution at nucleotide position 677. The arginine at codon 226 is replaced by histidine, an amino acid with highly similar properties. This amino acid position is conserved. In addition, this alteration is predicted to be tolerated by in silico analysis. Based on the available evidence, the clinical significance of this variant remains unclear.

Illumina Laboratory Services, Illumina
Classification: Uncertain significance for Kostmann syndrome. Last evaluated: 2018-01-13. Review status: criteria provided, single submitter. Criteria: ICSL Variant Classification Criteria 13 December 2019. Collection method: clinical testing. Allele origin: germline.